The following is an entry in ClinVar:

ClinVar aggregate classification (germline): Uncertain significance (1 of 4 stars; one submission).

Conditions:
Cortical dysplasia-focal epilepsy syndrome (PTHSL1). Also called: Pitt-Hopkins-like syndrome 1. Identifiers: Orphanet 163681, Orphanet 221150, MedGen C2750246, MONDO:0012400, OMIM 610042.

gnomAD v4.1: 1 of 1,614,118 alleles (0.000062%); highest among the groups gnomAD compares: Admixed American, 0.0017%; no homozygotes.

Submission:

Labcorp Genetics (formerly Invitae), Labcorp
Classification: Uncertain significance for Cortical dysplasia-focal epilepsy syndrome. Last evaluated: 2024-11-11. Review status: criteria provided, single submitter. Criteria: Invitae Variant Classification Sherloc (09022015). Collection method: clinical testing. Allele origin: germline.
Comment: This sequence change replaces serine, which is neutral and polar, with arginine, which is basic and polar, at codon 575 of the CNTNAP2 protein (p.Ser575Arg). This variant is present in population databases (no rsID available, gnomAD 0.003%). This variant has not been reported in the literature in individuals affected with CNTNAP2-related conditions. ClinVar contains an entry for this variant (Variation ID: 1426410). An algorithm developed to predict the effect of missense changes on protein structure and function (PolyPhen-2) suggests that this variant is likely to be tolerated. In summary, the available evidence is currently insufficient to determine the role of this variant in disease. Therefore, it has been classified as a Variant of Uncertain Significance.

NM_014141.6(CNTNAP2):c.1725C>G (p.Ser575Arg)

Gene: CNTNAP2 (contactin associated protein 2; plus strand). Cytogenetic location: 7q35.
Variant type: single nucleotide variant.
Coding change: c.1725C>G on transcript NM_014141.6 (MANE Select); coding-DNA position 1725, C replaced by G.
Protein change: p.Ser575Arg; replaces serine 575 with arginine.
Molecular consequence: missense variant.
Genome position (GRCh38, 1-based): chr7:147,485,989, C>G. VCF-style: chr7-147485989-C-G. GRCh37 (hg19) VCF-style: chr7-147183081-C-G.
Other names: short protein forms S575R.
Identifiers: ClinVar variation 1426410 (VCV001426410.5), dbSNP rs940446033, ClinGen allele CA369925915.
Genomic context (GRCh38, chr7:147,485,989, plus strand): 5'-TGACAGATGTGTGCCCAATCACTGTGAGCATGGTGGAAAGTGCTCGCAAACATGGGACAG[C>G]TTCAAATGCACTTGTGATGAGACAGGATACAGTGGGGCCACCTGCCACAACTGTGAGTGC-3'
Protein context (NP_054860.1, residues 565-585): HGGKCSQTWD[Ser575Arg]FKCTCDETGY